The following is an entry in ClinVar:

ClinVar aggregate classification (germline): Uncertain significance (1 of 4 stars; one submission).

Conditions:
Primary ciliary dyskinesia. Also called: Ciliary dyskinesia. Identifiers: Orphanet 244, MedGen C0008780, MONDO:0016575, HP:0012265.

Allele frequency attached by ClinVar (database versions not stated): ExAC 0.00002; TOPMed 0.00002; gnomAD exomes 0.00004.
gnomAD v4.1: 17 of 1,605,738 alleles (0.0011%); highest among the groups gnomAD compares: Admixed American, 0.019%; no homozygotes.

Submission:

Labcorp Genetics (formerly Invitae), Labcorp
Classification: Uncertain significance for Primary ciliary dyskinesia. Last evaluated: 2022-09-27. Review status: criteria provided, single submitter. Criteria: Invitae Variant Classification Sherloc (09022015). Collection method: clinical testing. Allele origin: germline.
Comment: This sequence change replaces glutamic acid, which is acidic and polar, with lysine, which is basic and polar, at codon 915 of the DNAH8 protein (p.Glu915Lys). This variant is present in population databases (rs772099828, gnomAD 0.03%). This variant has not been reported in the literature in individuals affected with DNAH8-related conditions. ClinVar contains an entry for this variant (Variation ID: 1378249). Algorithms developed to predict the effect of missense changes on protein structure and function are either unavailable or do not agree on the potential impact of this missense change (SIFT: "Tolerated"; PolyPhen-2: "Not Available"; Align-GVGD: "Class C0"). In summary, the available evidence is currently insufficient to determine the role of this variant in disease. Therefore, it has been classified as a Variant of Uncertain Significance.

NM_001206927.2(DNAH8):c.2743G>A (p.Glu915Lys)

Gene: DNAH8 (dynein axonemal heavy chain 8; plus strand). Cytogenetic location: 6p21.2.
Variant type: single nucleotide variant.
Coding change: c.2743G>A on transcript NM_001206927.2 (MANE Select); coding-DNA position 2743, G replaced by A.
Protein change: p.Glu915Lys; replaces glutamic acid 915 with lysine.
Molecular consequence: missense variant.
Genome position (GRCh38, 1-based): chr6:38,790,367, G>A. VCF-style: chr6-38790367-G-A. GRCh37 (hg19) VCF-style: chr6-38758143-G-A.
Other names: c.2092G>A, p.Glu698Lys (NM_001371.4); short protein forms E698K, E915K.
Identifiers: ClinVar variation 1378249 (VCV001378249.8), dbSNP rs772099828, ClinGen allele CA3788605.
Genomic context (GRCh38, chr6:38,790,367, plus strand): 5'-CAAGGACTCACAGTGTTAACATGGTCGTCTTTAACACTGGAAAGCTTCTTTCAAGAAGTC[G>A]AATTAGTTTTGGATATGTTCAATCAACTTTTAAAGAAGGTATGATCTATACATTTAAAAA-3'
Protein context (NP_001193856.1, residues 905-925): LTLESFFQEV[Glu915Lys]LVLDMFNQLL